The following is an entry in ClinVar:

ClinVar aggregate classification (germline): Uncertain significance (1 of 4 stars; one submission).

Submission:

Ambry Genetics
Classification: Uncertain significance. Last evaluated: 2025-02-08. Review status: criteria provided, single submitter. Criteria: Ambry Variant Classification Scheme 2023. Collection method: clinical testing. Allele origin: germline.
Comment: The p.G725E variant (also known as c.2174G>A), located in coding exon 13 of the GEN1 gene, results from a G to A substitution at nucleotide position 2174. The glycine at codon 725 is replaced by glutamic acid, an amino acid with similar properties. This amino acid position is conserved. In addition, this alteration is predicted to be tolerated by in silico analysis. Based on the available evidence, the clinical significance of this variant remains unclear.

NM_001130009.3(GEN1):c.2174G>A (p.Gly725Glu)

Gene: GEN1 (GEN1 Holliday junction 5' flap endonuclease; plus strand). Cytogenetic location: 2p24.2.
Variant type: single nucleotide variant.
Coding change: c.2174G>A on transcript NM_001130009.3 (MANE Select); coding-DNA position 2174, G replaced by A.
Protein change: p.Gly725Glu; replaces glycine 725 with glutamic acid.
Molecular consequence: missense variant.
Genome position (GRCh38, 1-based): chr2:17,781,386, G>A. VCF-style: chr2-17781386-G-A. GRCh37 (hg19) VCF-style: chr2-17962653-G-A.
Other names: c.2174G>A, p.Gly725Glu (NM_182625.5); short protein forms G725E.
Identifiers: ClinVar variation 3281221 (VCV003281221.2).